The following is an entry in ClinVar:

NM_002691.4(POLD1):c.-1-12C>A

Gene: POLD1 (DNA polymerase delta 1, catalytic subunit; plus strand). Cytogenetic location: 19q13.33.
Variant type: single nucleotide variant.
Coding change: c.-1-12C>A on transcript NM_002691.4 (MANE Select); 12 bases into the intron before 1 bases upstream of the start codon, C replaced by A.
Molecular consequence: intron variant.
Genome position (GRCh38, 1-based): chr19:50,398,839, C>A. VCF-style: chr19-50398839-C-A. GRCh37 (hg19) VCF-style: chr19-50902096-C-A.
Other names: c.-4-9C>A (NM_001256849.1, NM_001438210.1); c.-1-12C>A (NM_001438212.1, NM_001438213.1, NM_001438211.1).
Identifiers: ClinVar variation 4532436 (VCV004532436.1).

ClinVar aggregate classification (germline): Uncertain significance (1 of 4 stars; one submission).

gnomAD v4.1: 1 of 1,607,486 alleles (0.000062%); highest among the groups gnomAD compares: Non-Finnish European, 0.000085%; no homozygotes.

Submission:

GeneDx
Classification: Uncertain significance. Last evaluated: 2025-05-27. Review status: criteria provided, single submitter. Criteria: GeneDx Variant Classification Process June 2021. Collection method: clinical testing. Allele origin: germline. Affected: yes.
Comment: Not observed at significant frequency in large population cohorts (gnomAD); In silico analysis suggests that this variant does not alter splicing; Has not been previously published as pathogenic or benign to our knowledge; Located in a regulatory region; in the absence of functional studies, the actual effect of this sequence change is unknown